The following is an entry in ClinVar:

ClinVar aggregate classification (germline): Uncertain significance. Review status: criteria provided, multiple submitters, no conflicts (2 of 4 stars). 3 submissions from 3 submitters: Uncertain significance (3). Last evaluated 2025-08-04.

Conditions:
Mitochondrial complex V (ATP synthase) deficiency, nuclear type 2. Also called: Nuclear-Encoded ATPase Deficiency, TMEM70-Related; ENCEPHALOCARDIOMYOPATHY, MITOCHONDRIAL, NEONATAL, DUE TO ATP SYNTHASE DEFICIENCY; MITOCHONDRIAL COMPLEX V (ATP SYNTHASE) DEFICIENCY, TMEM70 TYPE. Identifiers: Orphanet 1194, MedGen C3279699, MONDO:0013546, OMIM 614052.
Inborn genetic diseases. Identifiers: MedGen C0950123, MeSH D030342.

Allele frequency attached by ClinVar (database versions not stated): gnomAD exomes below 0.00001 and 0.00001; ExAC 0.00001; gnomAD 0.00003 and 0.00004; TOPMed 0.00004; ESP Exome Variant Server 0.00015.

Submissions (3):

Ambry Genetics
Classification: Uncertain significance for Inborn genetic diseases. Last evaluated: 2025-08-04. Review status: criteria provided, single submitter. Criteria: Ambry Variant Classification Scheme 2023. Collection method: clinical testing. Allele origin: germline.

Labcorp Genetics (formerly Invitae), Labcorp
Classification: Uncertain significance for Mitochondrial complex V (ATP synthase) deficiency, nuclear type 2. Last evaluated: 2023-08-17. Review status: criteria provided, single submitter. Criteria: Invitae Variant Classification Sherloc (09022015). Collection method: clinical testing. Allele origin: germline.
Comment: This sequence change replaces proline, which is neutral and non-polar, with serine, which is neutral and polar, at codon 72 of the TMEM70 protein (p.Pro72Ser). This variant is present in population databases (rs143292919, gnomAD 0.002%). This variant has not been reported in the literature in individuals affected with TMEM70-related conditions. ClinVar contains an entry for this variant (Variation ID: 471955). Advanced modeling of protein sequence and biophysical properties (such as structural, functional, and spatial information, amino acid conservation, physicochemical variation, residue mobility, and thermodynamic stability) performed at Invitae indicates that this missense variant is not expected to disrupt TMEM70 protein function. Algorithms developed to predict the effect of sequence changes on RNA splicing suggest that this variant may create or strengthen a splice site. In summary, the available evidence is currently insufficient to determine the role of this variant in disease. Therefore, it has been classified as a Variant of Uncertain Significance.

Clinical Genomics Laboratory, Stanford Medicine
Classification: Uncertain significance for Mitochondrial complex V (ATP synthase) deficiency, nuclear type 2. Last evaluated: 2021-04-16. Review status: criteria provided, single submitter. Criteria: ACMG Guidelines, 2015. Collection method: clinical testing. Allele origin: germline. Affected: yes. Observed: 1 heterozygote.
Comment: The p.Pro72Ser variant in the TMEM70 gene has not been previously reported in association with disease. This variant has been identified in 2/129,092 European chromosomes by the Genome Aggregation Database. Computational tools predict that the p.Pro72Ser variant does not impact protein function; however, the accuracy of in silico algorithms is limited. These data were assessed using the ACMG/AMP variant interpretation guidelines. In summary, the significance of the p.Pro72Ser variant is uncertain. Additional information is needed to resolve the significance of this variant. [ACMG evidence codes used: PM2; BP4]

NM_017866.6(TMEM70):c.214C>T (p.Pro72Ser)

Gene: TMEM70 (transmembrane protein 70; plus strand). Cytogenetic location: 8q21.11.
Variant type: single nucleotide variant.
Coding change: c.214C>T on transcript NM_017866.6 (MANE Select); coding-DNA position 214, C replaced by T.
Protein change: p.Pro72Ser; replaces proline 72 with serine.
Molecular consequence: missense variant. On other transcripts: non-coding transcript variant (1).
Genome position (GRCh38, 1-based): chr8:73,978,759, C>T. VCF-style: chr8-73978759-C-T. GRCh37 (hg19) VCF-style: chr8-74890994-C-T.
Other names: p.Pro72Ser; c.214C>T, p.Pro72Ser (NM_001040613.3); short protein forms P72S.
Identifiers: ClinVar variation 471955 (VCV000471955.12), dbSNP rs143292919, ClinGen allele CA4783984.
Genomic context (GRCh38, chr8:73,978,759, plus strand): 5'-AAAAACTTAAAAAAATTTAAGAAGGTTAGTTGACCATAATGATCCCTGTTTCAATAGATC[C>T]CTGTTTATTGGGAAGGATATGTTCGATTCTTAAATACGCCATCTGACAAATCAGAAGATG-3'
Protein context (NP_060336.3, residues 62-82): LLRRPGRAQI[Pro72Ser]VYWEGYVRFL